The following is an entry in ClinVar:

NM_000169.3(GLA):c.145C>A (p.Arg49Ser)

Genes: GLA (galactosidase alpha; minus strand), RPL36A-HNRNPH2 (RPL36A-HNRNPH2 readthrough; plus strand). Cytogenetic location: Xq22.1.
Variant type: single nucleotide variant.
Coding change: c.145C>A on transcript NM_000169.3 (MANE Select); coding-DNA position 145, C replaced by A.
Protein change: p.Arg49Ser; replaces arginine 49 with serine.
Molecular consequence: missense variant. On other transcripts: non-coding transcript variant (3), intron variant (2).
Genome position (GRCh38, 1-based): chrX:101,407,759, G>T on the plus strand (C>A on the coding strand, the complement: GLA is on the minus strand). VCF-style: chrX-101407759-G-T. GRCh37 (hg19) VCF-style: chrX-100662747-G-T.
Other names: c.145C>A, p.Arg49Ser (NM_001406747.1, NM_001406748.1, NM_001406749.1); c.301-4177G>T (NM_001199973.2); c.178-4177G>T (NM_001199974.2); short protein forms R49S.
Identifiers: ClinVar variation 2432134 (VCV002432134.5), dbSNP rs2520943698, ClinGen allele CA413937009.
Genomic context (GRCh38, chrX:101,407,759, plus strand): 5'-ATATCTGATACCTGATGCAGGAATCTGGCTCTTCCTGGCAGTCAAGGTTGCACATGAAGC[G>T]CTCCCAGTGCAGCCAGCCCATGGTAGGCGTCCTTGCCAATCCATTGTCCAGTGCTCTAGC-3'
Protein context (NP_000160.1, residues 39-59): TPTMGWLHWE[Arg49Ser]FMCNLDCQEE

ClinVar aggregate classification (germline): Pathogenic/Likely pathogenic. Review status: criteria provided, multiple submitters, no conflicts (2 of 4 stars). 2 submissions from 2 submitters: Pathogenic (1); Likely pathogenic (1). Last evaluated 2026-09-08.

Conditions:
Fabry disease. Also called: ALPHA-GALACTOSIDASE A DEFICIENCY; ANDERSON-FABRY DISEASE; CERAMIDE TRIHEXOSIDASE DEFICIENCY; Fabry's disease; Ceramide trihexosidosis; GLA DEFICIENCY. Identifiers: Orphanet 324, MedGen C0002986, MONDO:0010526, OMIM 301500, HP:0001071. Disease mechanism: Fabry disease is due to inactivating mutations in the X-linked GLA gene resulting in deficiency of the enzyme Alpha Galactosidase-A., loss of function.

Submissions (2):

Genomenon, Inc
Classification: Pathogenic for Fabry disease. Last evaluated: 2026-09-08. Review status: criteria provided, single submitter. Criteria: Genomenon Sequence Variant Interpretation Standards - Updated. Collection method: curation. Allele origin: germline. Affected: yes.
Comment: GLA p.Arg49Ser (c.145C>A) is a missense variant that changes the amino acid at codon 49 from Arginine to Serine. This variant has been observed in at least one proband with clinical features consistent with Fabry disease (PMID:20576773;17187618;9268104;8875188;9100224;23546814;14505049). The variant was found to segregate with disease in at least one affected family (PMID:9268104). At least one functional study has demonstrated a substantial alteration in protein function relative to the wild-type (PMID:27657681). This variant is located in a mutational hotspot and/or important functional domain. It is absent or not present at a significant frequency in gnomAD. In silico models predict that this variant is possibly or probably damaging. In conclusion, we classify GLA p.Arg49Ser (c.145C>A) as a pathogenic variant.

Revvity Omics, Revvity
Classification: Likely pathogenic. Last evaluated: 2023-12-20. Review status: criteria provided, single submitter. Criteria: ACMG Guidelines, 2015. Collection method: clinical testing. Allele origin: germline.

Literature cited by the submitters: PubMed 20576773 (cited by Genomenon, Inc); PubMed 17187618 (cited by Genomenon, Inc); PubMed 9268104 (cited by Genomenon, Inc); PubMed 8875188 (cited by Genomenon, Inc); PubMed 9100224 (cited by Genomenon, Inc); PubMed 23546814 (cited by Genomenon, Inc); PubMed 14505049 (cited by Genomenon, Inc); PubMed 27657681 (cited by Genomenon, Inc).